The following is an entry in ClinVar:

ClinVar aggregate classification (germline): Uncertain significance (1 of 4 stars; one submission).

Conditions:
PHGDH deficiency. Identifiers: Orphanet 79351, MedGen C1866174, MONDO:0011152, OMIM 601815.

Allele frequency attached by ClinVar (database versions not stated): gnomAD exomes below 0.00001 and 0.00001.
gnomAD v4.1: 16 of 1,613,918 alleles (0.00099%); highest among the groups gnomAD compares: East Asian, 0.0022%; no homozygotes.

Submission:

Labcorp Genetics (formerly Invitae), Labcorp
Classification: Uncertain significance for PHGDH deficiency. Last evaluated: 2022-07-06. Review status: criteria provided, single submitter. Criteria: Invitae Variant Classification Sherloc (09022015). Collection method: clinical testing. Allele origin: germline.
Comment: This sequence change replaces arginine, which is basic and polar, with glutamine, which is neutral and polar, at codon 491 of the PHGDH protein (p.Arg491Gln). This variant is present in population databases (no rsID available, gnomAD 0.003%). This variant has not been reported in the literature in individuals affected with PHGDH-related conditions. ClinVar contains an entry for this variant (Variation ID: 1505198). Algorithms developed to predict the effect of missense changes on protein structure and function output the following: SIFT: "Tolerated"; PolyPhen-2: "Benign"; Align-GVGD: "Class C0". The glutamine amino acid residue is found in multiple mammalian species, which suggests that this missense change does not adversely affect protein function. In summary, the available evidence is currently insufficient to determine the role of this variant in disease. Therefore, it has been classified as a Variant of Uncertain Significance.

NM_006623.4(PHGDH):c.1472G>A (p.Arg491Gln)

Gene: PHGDH (phosphoglycerate dehydrogenase; plus strand). Cytogenetic location: 1p12.
Variant type: single nucleotide variant.
Coding change: c.1472G>A on transcript NM_006623.4 (MANE Select); coding-DNA position 1472, G replaced by A.
Protein change: p.Arg491Gln; replaces arginine 491 with glutamine.
Molecular consequence: missense variant.
Genome position (GRCh38, 1-based): chr1:119,743,910, G>A. VCF-style: chr1-119743910-G-A. GRCh37 (hg19) VCF-style: chr1-120286533-G-A.
Other names: short protein forms R491Q.
Identifiers: ClinVar variation 1505198 (VCV001505198.5), dbSNP rs1452461315, ClinGen allele CA341854194.